The following is an entry in ClinVar:

ClinVar aggregate classification (germline): Uncertain significance (1 of 4 stars; one submission).

Conditions:
Microcephaly, normal intelligence and immunodeficiency (NBS). Also called: Immunodeficiency, microcephaly with normal intelligence; BERLIN BREAKAGE SYNDROME; IMMUNODEFICIENCY, MICROCEPHALY, AND CHROMOSOMAL INSTABILITY; SEEMANOVA SYNDROME II; Ataxia telangiectasia variant V1; Nijmegen breakage syndrome. Identifiers: Orphanet 647, MedGen C0398791, MONDO:0009623, OMIM 251260.

Submission:

Labcorp Genetics (formerly Invitae), Labcorp
Classification: Uncertain significance for Microcephaly, normal intelligence and immunodeficiency. Last evaluated: 2015-08-15. Review status: criteria provided, single submitter. Criteria: Invitae Variant Classification Sherloc (09022015). Collection method: clinical testing. Allele origin: germline.
Comment: A gross duplication of the genomic region encompassing the full coding sequence of the NBN gene has been identified. This duplication extends to both edges of the assayed region, and the 5' and 3' boundaries of this event are not known. Gross duplications of NBN have not been reported in the literature. Therefore, this change has been classified as a Variant of Uncertain Significance.

NM_002485.4(NBN):c.(?_-1)_(*1_?)dup

Gene: NBN (nibrin; minus strand). Cytogenetic location: 8q21.3.
Variant type: Duplication.
Coding change: c.(?_-1)_(*1_?)dup on transcript NM_002485.4; a large duplication whose breakpoints are not mapped to the base.
Other names: c.(?_-1)_(*1_?)dup (LRG_158t1).
Identifiers: ClinVar variation 224961 (VCV000224961.1).